The following is an entry in ClinVar:

NM_153460.4(IL17RC):c.185C>G (p.Ala62Gly)

Gene: IL17RC (interleukin 17 receptor C; plus strand). Cytogenetic location: 3p25.3.
Variant type: single nucleotide variant.
Coding change: c.185C>G on transcript NM_153460.4 (MANE Select); coding-DNA position 185, C replaced by G.
Protein change: p.Ala62Gly; replaces alanine 62 with glycine.
Molecular consequence: missense variant. On other transcripts: non-coding transcript variant (1).
Genome position (GRCh38, 1-based): chr3:9,917,980, C>G. VCF-style: chr3-9917980-C-G. GRCh37 (hg19) VCF-style: chr3-9959664-C-G.
Other names: c.185C>G, p.Ala62Gly (NM_001203263.2, NM_001203264.2, NM_001203265.2 and 4 more transcripts); c.398C>G, p.Ala133Gly (NM_153461.4); short protein forms A133G, A62G.
Identifiers: ClinVar variation 1404480 (VCV001404480.8), dbSNP rs371746550, ClinGen allele CA2246764.
Genomic context (GRCh38, chr3:9,917,980, plus strand): 5'-CAGACAGTGACATACTCTGCCTGCCTGGGGACATCGTGCCTGCTCCGGGCCCCGTGCTGG[C>G]GCCTACGCACCTGCAGACAGAGCTGGTGCTGAGGTGCCAGAAGGAGACCGACTGTGACCT-3'
Protein context (NP_703190.2, residues 52-72): DIVPAPGPVL[Ala62Gly]PTHLQTELVL

ClinVar aggregate classification (germline): Uncertain significance (1 of 4 stars; one submission).

Conditions:
Candidiasis, familial, 9 (CANDF9). Identifiers: Orphanet 1334, MedGen C4225324, MONDO:0014642, OMIM 616445.

Allele frequency attached by ClinVar (database versions not stated): 1000 Genomes Project 30x 0.00016; 1000 Genomes Project 0.00020.
gnomAD v4.1: 135 of 1,613,800 alleles (0.0084%); highest among the groups gnomAD compares: South Asian, 0.15%; 2 homozygotes.

Submission:

Labcorp Genetics (formerly Invitae), Labcorp
Classification: Uncertain significance for Candidiasis, familial, 9. Last evaluated: 2023-02-15. Review status: criteria provided, single submitter. Criteria: Invitae Variant Classification Sherloc (09022015). Collection method: clinical testing. Allele origin: germline.
Comment: This sequence change replaces alanine, which is neutral and non-polar, with glycine, which is neutral and non-polar, at codon 133 of the IL17RC protein (p.Ala133Gly). In summary, the available evidence is currently insufficient to determine the role of this variant in disease. Therefore, it has been classified as a Variant of Uncertain Significance. An algorithm developed to predict the effect of missense changes on protein structure and function (PolyPhen-2) suggests that this variant is likely to be tolerated. ClinVar contains an entry for this variant (Variation ID: 1404480). This variant has not been reported in the literature in individuals affected with IL17RC-related conditions. This variant is present in population databases (rs371746550, gnomAD 0.1%), and has an allele count higher than expected for a pathogenic variant.